The following is an entry in ClinVar:

NM_016945.3(TAS2R16):c.665G>A (p.Arg222His)

Gene: TAS2R16 (taste 2 receptor member 16; minus strand). Cytogenetic location: 7q31.32.
Variant type: single nucleotide variant.
Coding change: c.665G>A on transcript NM_016945.3 (MANE Select); coding-DNA position 665, G replaced by A.
Protein change: p.Arg222His; replaces arginine 222 with histidine.
Molecular consequence: missense variant.
Genome position (GRCh38, 1-based): chr7:122,994,970, C>T on the plus strand (G>A on the coding strand, the complement: TAS2R16 is on the minus strand). VCF-style: chr7-122994970-C-T. GRCh37 (hg19) VCF-style: chr7-122635024-C-T.
Other names: short protein forms R222H.
Identifiers: ClinVar variation 3058839 (VCV003058839.2), dbSNP rs860170, ClinGen allele CA4460692.

ClinVar aggregate classification (germline): Benign (0 of 4 stars; one submission).

Conditions:
TAS2R16-related disorder. Also called: TAS2R16-related condition.

Allele frequency attached by ClinVar (database versions not stated): gnomAD exomes 0.67965; ExAC 0.68809; 1000 Genomes Project 0.72923; 1000 Genomes Project 30x 0.73563; gnomAD 0.74053; ESP Exome Variant Server 0.75396; TOPMed 0.75500.
gnomAD v4.1: 1,106,187 of 1,613,532 alleles (69%); highest among the groups gnomAD compares: African/African-American, 91%; 382,313 homozygotes.

Submission:

PreventionGenetics, part of Exact Sciences
Classification: Benign for TAS2R16-related condition. Last evaluated: 2019-10-16. Review status: no assertion criteria provided. Collection method: clinical testing. Allele origin: germline.
Comment: This variant is classified as benign based on ACMG/AMP sequence variant interpretation guidelines (Richards et al. 2015 PMID: 25741868, with internal and published modifications).